The following is an entry in ClinVar:

NM_000059.4(BRCA2):c.9256+6908del

Gene: BRCA2 (BRCA2 DNA repair associated; plus strand). Cytogenetic location: 13q13.1.
Variant type: Deletion.
Coding change: c.9256+6908del on transcript NM_000059.4 (MANE Select); 6908 bases into the intron after coding-DNA position 9256, one base deleted (C; older notation c.9256+6908delC).
Molecular consequence: intron variant.
Genome position (GRCh38, 1-based): chr13:32,387,053, C deleted. VCF-style (leftmost placement, unchanged base first): chr13-32387052-GC-G. GRCh37 (hg19) VCF-style: chr13-32961189-GC-G.
Other names: IVS 24+6908del.
Identifiers: ClinVar variation 209877 (VCV000209877.1), dbSNP rs797044979, ClinGen allele CA276845.

ClinVar aggregate classification (germline): Benign (3 of 4 stars; one submission).

Conditions:
Breast-ovarian cancer, familial, susceptibility to, 2 (BROVCA2). Also called: BRCA2 Hereditary Breast and Ovarian Cancer. Identifiers: Orphanet 145, MedGen C2675520, MONDO:0012933, OMIM 612555. Disease mechanism: loss of function.

Submission:

Evidence-based Network for the Interpretation of Germline Mutant Alleles (ENIGMA)
Classification: Benign for Breast-ovarian cancer, familial 2. Last evaluated: 2015-01-12. Review status: reviewed by expert panel. Criteria: ENIGMA BRCA1/2 Classification Criteria (2015). Collection method: curation. Allele origin: germline.
Comment: Class 1 not pathogenic based on frequency >1% in an outbred sampleset. Frequency 1 (Asian), 0.9 (African), 1 (European), derived from 1000 genomes (2012-04-30).